The following is an entry in ClinVar:

NM_144997.7(FLCN):c.1056G>T (p.Met352Ile)

Gene: FLCN (folliculin; minus strand). Cytogenetic location: 17p11.2.
Variant type: single nucleotide variant.
Coding change: c.1056G>T on transcript NM_144997.7 (MANE Select); coding-DNA position 1056, G replaced by T.
Protein change: p.Met352Ile; replaces methionine 352 with isoleucine.
Molecular consequence: missense variant.
Genome position (GRCh38, 1-based): chr17:17,219,025, C>A on the plus strand (G>T on the coding strand, the complement: FLCN is on the minus strand). VCF-style: chr17-17219025-C-A. GRCh37 (hg19) VCF-style: chr17-17122339-C-A.
Other names: c.1110G>T, p.Met370Ile (NM_001353229.2); c.1056G>T, p.Met352Ile (NM_001353230.2, NM_001353231.2); short protein forms M352I, M370I.
Identifiers: ClinVar variation 4642699 (VCV004642699.1).

ClinVar aggregate classification (germline): Uncertain significance (1 of 4 stars; one submission).

Conditions:
Hereditary cancer-predisposing syndrome. Also called: Neoplastic Syndromes, Hereditary; Tumor predisposition; Hereditary Cancer Syndrome; Hereditary neoplastic syndrome. Identifiers: Orphanet 140162, MedGen C0027672, MeSH D009386, MONDO:0015356.

Submission:

Ambry Genetics
Classification: Uncertain significance for Hereditary cancer-predisposing syndrome. Last evaluated: 2025-10-17. Review status: criteria provided, single submitter. Criteria: Ambry Variant Classification Scheme 2023. Collection method: clinical testing. Allele origin: germline.
Comment: The p.M352I variant (also known as c.1056G>T), located in coding exon 6 of the FLCN gene, results from a G to T substitution at nucleotide position 1056. The methionine at codon 352 is replaced by isoleucine, an amino acid with highly similar properties. This amino acid position is highly conserved in available vertebrate species. In addition, the in silico prediction for this alteration is inconclusive. Based on the available evidence, the clinical significance of this variant remains unclear.